The following is an entry in ClinVar:

NM_001048166.1(STIL):c.2880G>A (p.Pro960=)

Gene: STIL (STIL centriolar assembly protein; minus strand). Cytogenetic location: 1p33.
Variant type: single nucleotide variant.
Coding change: c.2880G>A on transcript NM_001048166.1 (MANE Select); coding-DNA position 2880, G replaced by A.
Protein change: p.Pro960=; no amino-acid change (proline 960 retained).
Molecular consequence: synonymous variant.
Genome position (GRCh38, 1-based): chr1:47,260,489, C>T on the plus strand (G>A on the coding strand, the complement: STIL is on the minus strand). VCF-style: chr1-47260489-C-T. GRCh37 (hg19) VCF-style: chr1-47726161-C-T.
Other names: c.2877G>A, p.Pro959= (NM_001282936.1, NM_003035.2); c.2826G>A, p.Pro942= (NM_001282937.1); c.2739G>A, p.Pro913= (NM_001282938.1); c.2685G>A, p.Pro895= (NM_001282939.1).
Identifiers: ClinVar variation 385719 (VCV000385719.4), dbSNP rs774354721, ClinGen allele CA842068.

ClinVar aggregate classification (germline): Likely benign. Review status: criteria provided, multiple submitters, no conflicts (2 of 4 stars). 2 submissions from 2 submitters: Likely benign (2). Last evaluated 2023-03-04.

Allele frequency attached by ClinVar (database versions not stated): gnomAD 0.00001; TOPMed 0.00002; ExAC 0.00007; gnomAD exomes 0.00007.
gnomAD v4.1: 51 of 1,613,972 alleles (0.0032%); highest among the groups gnomAD compares: South Asian, 0.04%; no homozygotes.

Submissions (2):

Labcorp Genetics (formerly Invitae), Labcorp
Classification: Likely benign. Last evaluated: 2023-03-04. Review status: criteria provided, single submitter. Criteria: Invitae Variant Classification Sherloc (09022015). Collection method: clinical testing. Allele origin: germline.

GeneDx
Classification: Likely benign. Last evaluated: 2016-04-29. Review status: criteria provided, single submitter. Criteria: GeneDx Variant Classification (06012015). Collection method: clinical testing. Allele origin: germline. Affected: yes.
Comment: This variant is considered likely benign or benign based on one or more of the following criteria: it is a conservative change, it occurs at a poorly conserved position in the protein, it is predicted to be benign by multiple in silico algorithms, and/or has population frequency not consistent with disease.